The following is an entry in ClinVar:

NM_003803.4(MYOM1):c.1502A>G (p.Asp501Gly)

Gene: MYOM1 (myomesin 1; minus strand). Cytogenetic location: 18p11.31.
Variant type: single nucleotide variant.
Coding change: c.1502A>G on transcript NM_003803.4 (MANE Select); coding-DNA position 1502, A replaced by G.
Protein change: p.Asp501Gly; replaces aspartic acid 501 with glycine.
Molecular consequence: missense variant.
Genome position (GRCh38, 1-based): chr18:3,155,088, T>C on the plus strand (A>G on the coding strand, the complement: MYOM1 is on the minus strand). VCF-style: chr18-3155088-T-C. GRCh37 (hg19) VCF-style: chr18-3155086-T-C.
Other names: c.1502A>G, p.Asp501Gly (NM_019856.2); short protein forms D501G.
Identifiers: ClinVar variation 1404049 (VCV001404049.9), dbSNP rs374352178, ClinGen allele CA8874924.
Genomic context (GRCh38, chr18:3,155,088, plus strand): 5'-GCCTCCAAGCACTTCACATCCAAGGGAGCAGCTGGGGCTCCTTCAATCTCTGCATCAGCA[T>C]CTGTGGAGACAGAGAAGGATCCCATTAACCCTCTCAGACATGCTGTCAGTCGGCAGGCAG-3'
Protein context (NP_003794.3, residues 491-511): EQYSAYVFVR[Asp501Gly]ADAEIEGAPA

ClinVar aggregate classification (germline): Uncertain significance. Review status: criteria provided, multiple submitters, no conflicts (2 of 4 stars). 2 submissions from 2 submitters: Uncertain significance (2). Last evaluated 2025-02-23.

Conditions:
Hypertrophic cardiomyopathy. Also called: HYPERTROPHIC MYOCARDIOPATHY. Identifiers: Orphanet 217569, MedGen C0007194, MeSH D002312, MONDO:0005045, HP:0001639.

Allele frequency attached by ClinVar (database versions not stated): gnomAD exomes below 0.00001; ExAC 0.00001; gnomAD 0.00003 and 0.00004; TOPMed 0.00007; ESP Exome Variant Server 0.00008.
gnomAD v4.1: 7 of 1,610,234 alleles (0.00043%); highest among the groups gnomAD compares: African/African-American, 0.0094%; no homozygotes.

Submissions (2):

Labcorp Genetics (formerly Invitae), Labcorp
Classification: Uncertain significance for Hypertrophic cardiomyopathy. Last evaluated: 2025-02-23. Review status: criteria provided, single submitter. Criteria: Invitae Variant Classification Sherloc (09022015). Collection method: clinical testing. Allele origin: germline.
Comment: This sequence change replaces aspartic acid, which is acidic and polar, with glycine, which is neutral and non-polar, at codon 501 of the MYOM1 protein (p.Asp501Gly). This variant is present in population databases (rs374352178, gnomAD 0.007%). This variant has not been reported in the literature in individuals affected with MYOM1-related conditions. ClinVar contains an entry for this variant (Variation ID: 1404049). An algorithm developed to predict the effect of missense changes on protein structure and function (PolyPhen-2) suggests that this variant is likely to be tolerated. In summary, the available evidence is currently insufficient to determine the role of this variant in disease. Therefore, it has been classified as a Variant of Uncertain Significance.

Ambry Genetics
Classification: Uncertain significance. Last evaluated: 2024-10-08. Review status: criteria provided, single submitter. Criteria: Ambry Variant Classification Scheme 2023. Collection method: clinical testing. Allele origin: germline.
Comment: The p.D501G variant (also known as c.1502A>G) is located in coding exon 10 of the MYOM1 gene. The aspartic acid at codon 501 is replaced by glycine, an amino acid with similar properties. This change occurs in the first base pair of coding exon 10. This amino acid position is conserved. In addition, this alteration is predicted to be deleterious by in silico analysis. Since supporting evidence is limited at this time, the clinical significance of this alteration remains unclear.